The following is an entry in ClinVar:

ClinVar aggregate classification (germline): Conflicting classifications of pathogenicity. Review status: criteria provided, conflicting classifications (1 of 4 stars). 6 submissions from 6 submitters: Uncertain significance (1); Likely benign (5). Last evaluated 2026-05-09.

Conditions:
Autosomal recessive limb-girdle muscular dystrophy type 2J (LGMDR10). Also called: MUSCULAR DYSTROPHY, LIMB-GIRDLE, AUTOSOMAL RECESSIVE 10; Limb-girdle muscular dystrophy, type 2J. Identifiers: Orphanet 140922, MedGen C1837342, MONDO:0012127, OMIM 608807.
Dilated cardiomyopathy 1G (CMD1G). Identifiers: Orphanet 154, MedGen C1858763, MONDO:0011400, OMIM 604145.
Cardiovascular phenotype. Identifiers: MedGen CN230736.
TTN-related disorder. Also called: TTN-related condition; TTN-related disease; TTN-related disorders.

Allele frequency attached by ClinVar (database versions not stated): gnomAD exomes 0.00001 and 0.00002; ExAC 0.00004; gnomAD 0.00009; TOPMed 0.00010; ESP Exome Variant Server 0.00017; 1000 Genomes Project 0.00040; 1000 Genomes Project 30x 0.00047.
gnomAD v4.1: 35 of 1,513,462 alleles (0.0023%); highest among the groups gnomAD compares: African/African-American, 0.022%; no homozygotes.

Submissions (6):

PreventionGenetics, part of Exact Sciences
Classification: Likely benign for TTN-related condition. Last evaluated: 2026-05-09. Review status: criteria provided, single submitter. Criteria: ACMG Guidelines, 2015. Collection method: clinical testing. Allele origin: germline.
Comment: This variant is classified as likely benign based on ACMG/AMP sequence variant interpretation guidelines (Richards et al. 2015 PMID: 25741868, with internal and published modifications).

Labcorp Genetics (formerly Invitae), Labcorp
Classification: Likely benign for Dilated cardiomyopathy 1G; Autosomal recessive limb-girdle muscular dystrophy type 2J. Last evaluated: 2025-10-22. Review status: criteria provided, single submitter. Criteria: Invitae Variant Classification Sherloc (09022015). Collection method: clinical testing. Allele origin: germline.

GeneDx
Classification: Likely benign. Last evaluated: 2020-01-31. Review status: criteria provided, single submitter. Criteria: GeneDx Variant Classification Process June 2021. Collection method: clinical testing. Allele origin: germline. Affected: yes.

Athena Diagnostics
Classification: Likely benign. Last evaluated: 2018-06-28. Review status: criteria provided, single submitter. Criteria: Athena Diagnostics Criteria. Collection method: clinical testing. Allele origin: germline.

Ambry Genetics
Classification: Likely benign for Cardiovascular phenotype. Last evaluated: 2017-03-14. Review status: criteria provided, single submitter. Criteria: Ambry Variant Classification Scheme 2023. Collection method: clinical testing. Allele origin: germline.

Eurofins Ntd Llc (ga)
Classification: Uncertain significance. Last evaluated: 2015-08-17. Review status: criteria provided, single submitter. Criteria: EGL Classification Definitions 2015. Collection method: clinical testing. Allele origin: germline. Observed: 1 variant allele, 1 heterozygote.

NM_001267550.2(TTN):c.14049C>T (p.Ser4683=)

Gene: TTN (titin; minus strand). Cytogenetic location: 2q31.2.
Variant type: single nucleotide variant.
Coding change: c.14049C>T on transcript NM_001267550.2 (MANE Select); coding-DNA position 14049, C replaced by T.
Protein change: p.Ser4683=; no amino-acid change (serine 4683 retained).
Molecular consequence: synonymous variant. On other transcripts: intron variant (1).
Genome position (GRCh38, 1-based): chr2:178,739,184, G>A on the plus strand (C>T on the coding strand, the complement: TTN is on the minus strand). VCF-style: chr2-178739184-G-A. GRCh37 (hg19) VCF-style: chr2-179603911-G-A.
Other names: c.13098C>T, p.Ser4366= (NM_001256850.1); c.12960C>T, p.Ser4320= (NM_003319.4); c.13335C>T, p.Ser4445= (NM_133432.3); c.13536C>T, p.Ser4512= (NM_133437.4); c.10361-824C>T (NM_133378.4); c.14049C>T (LRG_391t1).
Identifiers: ClinVar variation 282773 (VCV000282773.22), dbSNP rs370208081, ClinGen allele CA2002489.